The following is an entry in ClinVar:

ClinVar aggregate classification (germline): Pathogenic. Review status: criteria provided, multiple submitters, no conflicts (2 of 4 stars). 4 submissions from 4 submitters: Pathogenic (2). 2 of the submissions do not count toward it. Last evaluated 2023-02-16.

Conditions:
Osteogenesis imperfecta (OI). Identifiers: Orphanet 666, MedGen C0029434, MeSH D010013, MONDO:0019019.
Osteogenesis imperfecta type 9 (OI9). Also called: Oi type IX; OI 9; Osteogenesis imperfecta sillence type II/III without abnormality of type I collagen. Identifiers: MedGen C1850169, MONDO:0009805, OMIM 259440.

Allele frequency attached by ClinVar (database versions not stated): gnomAD exomes below 0.00001; TOPMed below 0.00001; gnomAD 0.00002.

Submissions (4):

Labcorp Genetics (formerly Invitae), Labcorp
Classification: Pathogenic. Last evaluated: 2023-02-16. Review status: criteria provided, single submitter. Criteria: Invitae Variant Classification Sherloc (09022015). Collection method: clinical testing. Allele origin: germline.
Comment: This premature translational stop signal has been observed in individual(s) with osteogenesis imperfecta (PMID: 19781681). It has also been observed to segregate with disease in related individuals. This variant is not present in population databases (gnomAD no frequency). ClinVar contains an entry for this variant (Variation ID: 16925). For these reasons, this variant has been classified as Pathogenic. This sequence change creates a premature translational stop signal (p.Lys186Glnfs*8) in the PPIB gene. While this is not anticipated to result in nonsense mediated decay, it is expected to disrupt the last 31 amino acid(s) of the PPIB protein.

Women's Health and Genetics/Laboratory Corporation of America, LabCorp
Classification: Pathogenic for Osteogenesis imperfecta. Last evaluated: 2022-10-10. Review status: criteria provided, single submitter. Criteria: LabCorp Variant Classification Summary - May 2015. Collection method: clinical testing. Allele origin: germline.
Comment: Variant summary: PPIB c.556_559delAAGA (p.Lys186GlnfsX8) results in a premature termination codon, predicted to cause a truncation of the encoded protein or absence of the protein due to nonsense mediated decay, which are commonly known mechanisms for disease. Truncations downstream of this position have been reported in association with Osteogenesis imperfecta in HGMD. The variant was absent in 250738 control chromosomes. c.556_559delAAGA has been reported in the literature in individuals affected with Osteogenesis Imperfecta, including two affected siblings who carried the variant in the homozygous state (van Dijk_2009). These data indicate that the variant is likely to be associated with disease. One clinical diagnostic laboratory has submitted clinical-significance assessments for this variant to ClinVar after 2014 without evidence for independent evaluation. One laboratory classified the variant as pathogenic. Based on the evidence outlined above, the variant was classified as pathogenic.

OMIM
Classification: Pathogenic for OSTEOGENESIS IMPERFECTA, TYPE IX. Last evaluated: 2017-05-01. Review status: no assertion criteria provided. Collection method: literature only. Allele origin: germline. Not counted in ClinVar's aggregate classification.

Osteogenesis Imperfecta Variant Database (PPIB)
No classification provided. Last evaluated: 2011-02-17. Review status: no classification provided. Collection method: curation. Allele origin: unknown. Not counted in ClinVar's aggregate classification.

Literature cited by the submitters: PubMed 19781681 (cited by Labcorp Genetics (formerly Invitae), Labcorp and Women's Health and Genetics/Laboratory Corporation of America, LabCorp); van Dijk, F. S., Nesbitt, I. M., Zwikstra, E. H., Nikkels, P. G. J., Piersma, S. R., Fratantoni, S. A., Jimenez, C. R., Huizer, M., Morsman, A. C., Cobben, J. M., van Roij, M. H. H., Elting, M. W., and 9 others PPIB mutations cause severe osteogenesis imperfecta. Am. J. Hum. Genet. 85: 521-527, 2009. (cited by OMIM).

NM_000942.5(PPIB):c.556_559del (p.Lys186fs)

Genes: SNX22 (sorting nexin 22; plus strand), PPIB (peptidylprolyl isomerase B; minus strand). Cytogenetic location: 15q22.31.
Variant type: Deletion.
Coding change: c.556_559del on transcript NM_000942.5 (MANE Select); coding-DNA positions 556 to 559, 4 bases deleted (AAGA; older notation c.556_559delAAGA).
Protein change: p.Lys186fs; shifts the reading frame from lysine 186.
Molecular consequence: frameshift variant. On other transcripts: 3 prime UTR variant (1), non-coding transcript variant (1).
Genome position (GRCh38, 1-based): chr15:64,156,115-64,156,118, TCTT deleted on the plus strand (AAGA on the coding strand, the reverse complement: PPIB is on the minus strand). VCF-style (leftmost placement, unchanged base first): chr15-64156114-GTCTT-G. GRCh37 (hg19) VCF-style: chr15-64448313-GTCTT-G.
Other names: c.*1607_*1610del (NM_024798.3); short protein forms K186fs.
Identifiers: ClinVar variation 16925 (VCV000016925.7), dbSNP rs137853869, ClinGen allele CA212991.